The following is an entry in ClinVar:

NM_000091.5(COL4A3):c.1798G>A (p.Asp600Asn)

Genes: COL4A3 (collagen type IV alpha 3 chain; plus strand), MFF-DT (MFF divergent transcript; minus strand). Cytogenetic location: 2q36.3.
Variant type: single nucleotide variant.
Coding change: c.1798G>A on transcript NM_000091.5 (MANE Select); coding-DNA position 1798, G replaced by A.
Protein change: p.Asp600Asn; replaces aspartic acid 600 with asparagine.
Molecular consequence: missense variant.
Genome position (GRCh38, 1-based): chr2:227,272,988, G>A. VCF-style: chr2-227272988-G-A. GRCh37 (hg19) VCF-style: chr2-228137704-G-A.
Other names: short protein forms D600N.
Identifiers: ClinVar variation 970733 (VCV000970733.8), dbSNP rs781224368, ClinGen allele CA2146767.

ClinVar aggregate classification (germline): Uncertain significance. Review status: criteria provided, multiple submitters, no conflicts (2 of 4 stars). 4 submissions from 4 submitters: Uncertain significance (3). 1 of the submissions does not count toward it. Last evaluated 2026-04-03.

Conditions:
Alport syndrome. Also called: Hemorrhagic familial nephritis; Hemorrhagic hereditary nephritis; Congenital hereditary hematuria. Identifiers: Orphanet 63, MedGen C1567741, MONDO:0018965.

Allele frequency attached by ClinVar (database versions not stated): gnomAD 0.00003; TOPMed 0.00003; gnomAD exomes 0.00004 and 0.00005; ExAC 0.00008.
gnomAD v4.1: 69 of 1,614,004 alleles (0.0043%); highest among the groups gnomAD compares: Non-Finnish European, 0.0058%; no homozygotes.

Submissions (4):

GeneDx
Classification: Uncertain significance. Last evaluated: 2026-04-03. Review status: criteria provided, single submitter. Criteria: GeneDx Variant Classification Process June 2021. Collection method: clinical testing. Allele origin: germline.
Comment: Occurs in the triple helical domain at the X position in the canonical Gly-X-Y repeat; although this variant may have an effect on normal protein folding and function, missense substitution at the X position is not a common mechanism of disease; Has not been previously published as pathogenic or benign to our knowledge; In silico analysis suggests that this missense variant does not alter protein structure/function

Labcorp Genetics (formerly Invitae), Labcorp
Classification: Uncertain significance. Last evaluated: 2025-10-18. Review status: criteria provided, single submitter. Criteria: Invitae Variant Classification Sherloc (09022015). Collection method: clinical testing. Allele origin: germline.
Comment: This sequence change replaces aspartic acid, which is acidic and polar, with asparagine, which is neutral and polar, at codon 600 of the COL4A3 protein (p.Asp600Asn). This variant is present in population databases (rs781224368, gnomAD 0.009%). This missense change has been observed in individual(s) with clinical features of Alport syndrome (internal data). In at least one individual the data is consistent with being in trans (on the opposite chromosome) from a pathogenic variant. ClinVar contains an entry for this variant (Variation ID: 970733). Invitae Evidence Modeling of protein sequence and biophysical properties (such as structural, functional, and spatial information, amino acid conservation, physicochemical variation, residue mobility, and thermodynamic stability) indicates that this missense variant is not expected to disrupt COL4A3 protein function with a negative predictive value of 95%. In summary, the available evidence is currently insufficient to determine the role of this variant in disease. Therefore, it has been classified as a Variant of Uncertain Significance.

Blueprint Genetics
Classification: Uncertain significance. Last evaluated: 2023-11-09. Review status: criteria provided, single submitter. Criteria: ACMG Guidelines, 2015. Collection method: clinical testing. Allele origin: germline.

Natera, Inc.
Classification: Uncertain significance for Alport syndrome. Last evaluated: 2020-09-23. Review status: no assertion criteria provided. Collection method: clinical testing. Allele origin: germline. Not counted in ClinVar's aggregate classification.